The following is an entry in ClinVar:

ClinVar aggregate classification (germline): Uncertain significance. Review status: criteria provided, multiple submitters, no conflicts (2 of 4 stars). 2 submissions from 2 submitters: Uncertain significance (2). Last evaluated 2025-09-05.

Conditions:
Inborn genetic diseases. Identifiers: MedGen C0950123, MeSH D030342.

Allele frequency attached by ClinVar (database versions not stated): gnomAD exomes 0.00001 and 0.00003; ExAC 0.00002; gnomAD 0.00002; TOPMed 0.00002.
gnomAD v4.1: 45 of 1,614,072 alleles (0.0028%); highest among the groups gnomAD compares: Non-Finnish European, 0.0035%; no homozygotes.

Submissions (2):

Ambry Genetics
Classification: Uncertain significance for Inborn genetic diseases. Last evaluated: 2025-09-05. Review status: criteria provided, single submitter. Criteria: Ambry Variant Classification Scheme 2023. Collection method: clinical testing. Allele origin: germline.

Labcorp Genetics (formerly Invitae), Labcorp
Classification: Uncertain significance. Last evaluated: 2024-04-25. Review status: criteria provided, single submitter. Criteria: Invitae Variant Classification Sherloc (09022015). Collection method: clinical testing. Allele origin: germline.
Comment: This sequence change replaces glycine, which is neutral and non-polar, with serine, which is neutral and polar, at codon 362 of the HPS6 protein (p.Gly362Ser). This variant is present in population databases (rs758140073, gnomAD 0.005%). This variant has not been reported in the literature in individuals affected with HPS6-related conditions. ClinVar contains an entry for this variant (Variation ID: 1432714). Advanced modeling of protein sequence and biophysical properties (such as structural, functional, and spatial information, amino acid conservation, physicochemical variation, residue mobility, and thermodynamic stability) performed at Invitae indicates that this missense variant is not expected to disrupt HPS6 protein function with a negative predictive value of 80%. In summary, the available evidence is currently insufficient to determine the role of this variant in disease. Therefore, it has been classified as a Variant of Uncertain Significance.

NM_024747.6(HPS6):c.1084G>A (p.Gly362Ser)

Gene: HPS6 (HPS6 biogenesis of lysosomal organelles complex 2 subunit 3; plus strand). Cytogenetic location: 10q24.32.
Variant type: single nucleotide variant.
Coding change: c.1084G>A on transcript NM_024747.6 (MANE Select); coding-DNA position 1084, G replaced by A.
Protein change: p.Gly362Ser; replaces glycine 362 with serine.
Molecular consequence: missense variant.
Genome position (GRCh38, 1-based): chr10:102,066,558, G>A. VCF-style: chr10-102066558-G-A. GRCh37 (hg19) VCF-style: chr10-103826315-G-A.
Other names: c.1084G>A (NM_024747.5); short protein forms G362S.
Identifiers: ClinVar variation 1432714 (VCV001432714.6), dbSNP rs758140073, ClinGen allele CA5659918.
Genomic context (GRCh38, chr10:102,066,558, plus strand): 5'-CTGCTGGAGAGGAAGGTCCTAAGTACAGACAGGGTACATCTGCTAGAACCGCCAGCCCCC[G>A]GCATGGAGGATGAGGAAGAGCTGGAGACCCGAGGGAATCTTCGTCTGCTTTCAGCCTTGG-3'
Protein context (NP_079023.2, residues 352-372): RVHLLEPPAP[Gly362Ser]MEDEEELETR